The following is an entry in ClinVar:

ClinVar aggregate classification (germline): Uncertain significance (1 of 4 stars; one submission).

Conditions:
Phenylketonuria (PKU). Also called: FOLLING DISEASE; OLIGOPHRENIA PHENYLPYRUVICA; Phenylketonurias; Phenylketonuria (PKU). Identifiers: Orphanet 716, MedGen C0031485, MONDO:0009861, OMIM 261600. Disease mechanism: loss of function.

gnomAD v4.1: 1 of 1,613,382 alleles (0.000062%); highest among the groups gnomAD compares: Non-Finnish European, 0.000085%; no homozygotes.

Submission:

Victorian Clinical Genetics Services, Murdoch Childrens Research Institute
Classification: Uncertain significance for Phenylketonuria. Last evaluated: 2025-10-09. Review status: criteria provided, single submitter. Criteria: ACMG Guidelines, 2015. Collection method: clinical testing. Allele origin: germline.
Comment: This variant is classified as VUS-3A. Evidence in support of pathogenic classification: Variant is present in gnomAD <0.01 for a recessive condition (v4: 1 heterozygote(s), 0 homozygote(s)); Missense variant predicted to be damaging by in silico tool(s) or highly conserved with a major amino acid change. Additional information: Variant is predicted to result in a missense amino acid change from Phe to Ser; This variant is heterozygous; This gene is associated with autosomal recessive disease; Previous evidence of pathogenicity for this variant is inconclusive. This variant has been reported in cohorts of individuals affected with or carriers of phenylketonuria (PKU) or hyperphenylalaninemia (HPA) without clinical or allelic information (PMID: 39256839; ASHG 2018 conference abstract #2849F); No published evidence of segregation with disease has been identified for this variant; No published functional evidence has been identified for this variant; No comparable missense variants have previous evidence for pathogenicity; Variant is located in the annotated biopterin_H domain (DECIPHER); Loss of function is a known mechanism of disease in this gene and is associated with phenylketonuria (MIM#261600).

Literature cited by the submitters: PubMed 39256839.

NM_000277.3(PAH):c.446T>C (p.Phe149Ser)

Gene: PAH (phenylalanine hydroxylase; minus strand). Cytogenetic location: 12q23.2.
Variant type: single nucleotide variant.
Coding change: c.446T>C on transcript NM_000277.3 (MANE Select); coding-DNA position 446, T replaced by C.
Protein change: p.Phe149Ser; replaces phenylalanine 149 with serine.
Molecular consequence: missense variant.
Genome position (GRCh38, 1-based): chr12:102,866,659, A>G on the plus strand (T>C on the coding strand, the complement: PAH is on the minus strand). VCF-style: chr12-102866659-A-G. GRCh37 (hg19) VCF-style: chr12-103260437-A-G.
Other names: c.446T>C, p.Phe149Ser (NM_001354304.2); short protein forms F149S.
Identifiers: ClinVar variation 4531377 (VCV004531377.1).